The following is an entry in ClinVar:

NM_001009944.3(PKD1):c.989G>A (p.Arg330His)

Gene: PKD1 (polycystin 1, transient receptor potential channel interacting; minus strand). Cytogenetic location: 16p13.3.
Variant type: single nucleotide variant.
Coding change: c.989G>A on transcript NM_001009944.3 (MANE Select); coding-DNA position 989, G replaced by A.
Protein change: p.Arg330His; replaces arginine 330 with histidine.
Molecular consequence: missense variant.
Genome position (GRCh38, 1-based): chr16:2,118,003, C>T on the plus strand (G>A on the coding strand, the complement: PKD1 is on the minus strand). VCF-style: chr16-2118003-C-T. GRCh37 (hg19) VCF-style: chr16-2168004-C-T.
Other names: c.989G>A, p.Arg330His (NM_000296.4); short protein forms R330H.
Identifiers: ClinVar variation 3579797 (VCV003579797.2).
Genomic context (GRCh38, chr16:2,118,003, plus strand): 5'-ACGTCTGTCCCCAGCAGGGCTGAGCCGGCCCCCAGGGCCAGCACGGCCGTCACGTGATAG[C>T]GCCCAGGCAGCACATAGCGATGCGAGGCAGCCGGCCCAGCGGCATCCACCTCGGCGGAGC-3'
Protein context (NP_001009944.3, residues 320-340): AASHRYVLPG[Arg330His]YHVTAVLALG

ClinVar aggregate classification (germline): Uncertain significance. Review status: criteria provided, multiple submitters, no conflicts (2 of 4 stars). 2 submissions from 2 submitters: Uncertain significance (2). Last evaluated 2026-04-28.

Conditions:
Polycystic kidney disease, adult type (PKD1). Also called: Polycystic Kidney Disease 1, Autosomal Dominant; Polycystic kidney disease 1; Polycystic kidney disease 1, severe; Polycystic Kidney, Autosomal Dominant; POLYCYSTIC KIDNEY DISEASE 1 WITH OR WITHOUT POLYCYSTIC LIVER DISEASE; POLYCYSTIC KIDNEY DISEASE, ADULT, TYPE I. Identifiers: MedGen C3149841, MONDO:0008263, OMIM 173900.

Submissions (2):

Women's Health and Genetics/Laboratory Corporation of America, LabCorp
Classification: Uncertain significance. Last evaluated: 2026-04-28. Review status: criteria provided, single submitter. Criteria: LabCorp Variant Classification Summary - May 2015. Collection method: clinical testing. Allele origin: germline.
Comment: Variant summary: PKD1 c.989G>A (p.Arg330His) results in a non-conservative amino acid change in the encoded protein sequence. Algorithms developed to predict the effect of missense changes on protein structure and function are either unavailable or do not agree on the potential impact of this missense change. The variant allele was found at a frequency of 1.2e-05 in 160500 control chromosomes. The available data on variant occurrences in the general population are insufficient to allow any conclusion about variant significance. To our knowledge, no occurrence of c.989G>A in individuals affected with PKD1-related conditions and no experimental evidence demonstrating its impact on protein function have been reported. ClinVar contains an entry for this variant (Variation ID: 3579797). Based on the evidence outlined above, the variant was classified as uncertain significance.

Fulgent Genetics
Classification: Uncertain significance for Polycystic kidney disease, adult type. Last evaluated: 2024-01-20. Review status: criteria provided, single submitter. Criteria: ACMG Guidelines, 2015. Collection method: clinical testing. Allele origin: germline.